The following is an entry in ClinVar:

NM_003172.4(SURF1):c.736A>G (p.Ile246Val)

Gene: SURF1 (SURF1 cytochrome c oxidase assembly factor; minus strand). Cytogenetic location: 9q34.2.
Variant type: single nucleotide variant.
Coding change: c.736A>G on transcript NM_003172.4 (MANE Select); coding-DNA position 736, A replaced by G.
Protein change: p.Ile246Val; replaces isoleucine 246 with valine.
Molecular consequence: missense variant.
Genome position (GRCh38, 1-based): chr9:133,352,461, T>C on the plus strand (A>G on the coding strand, the complement: SURF1 is on the minus strand). VCF-style: chr9-133352461-T-C. GRCh37 (hg19) VCF-style: chr9-136219316-T-C.
Other names: c.409A>G, p.Ile137Val (NM_001280787.1); short protein forms I246V, I137V.
Identifiers: ClinVar variation 526792 (VCV000526792.10), dbSNP rs782480169, ClinGen allele CA200832325.

ClinVar aggregate classification (germline): Uncertain significance. Review status: criteria provided, multiple submitters, no conflicts (2 of 4 stars). 2 submissions from 2 submitters: Uncertain significance (2). Last evaluated 2022-09-13.

Conditions:
Leigh syndrome (NULS). Also called: Leigh's syndrome; Leigh's necrotizing encephalopathy; Leigh's disease; Leigh Syndrome (mtDNA deletion); Leigh Disease; Subacute necrotizing encephalopathy. Identifiers: Orphanet 506, MedGen C2931891, MONDO:0009723, OMIM 256000.

Allele frequency attached by ClinVar (database versions not stated): ExAC 0.00002; gnomAD exomes 0.00002; TOPMed 0.00002; gnomAD 0.00003.
gnomAD v4.1: 40 of 1,614,120 alleles (0.0025%); highest among the groups gnomAD compares: Admixed American, 0.0033%; no homozygotes.

Submissions (2):

Labcorp Genetics (formerly Invitae), Labcorp
Classification: Uncertain significance for Leigh syndrome. Last evaluated: 2022-09-13. Review status: criteria provided, single submitter. Criteria: Invitae Variant Classification Sherloc (09022015). Collection method: clinical testing. Allele origin: germline.
Comment: This sequence change replaces isoleucine, which is neutral and non-polar, with valine, which is neutral and non-polar, at codon 246 of the SURF1 protein (p.Ile246Val). This variant is present in population databases (rs782480169, gnomAD 0.003%). This variant has not been reported in the literature in individuals affected with SURF1-related conditions. ClinVar contains an entry for this variant (Variation ID: 526792). Advanced modeling of protein sequence and biophysical properties (such as structural, functional, and spatial information, amino acid conservation, physicochemical variation, residue mobility, and thermodynamic stability) performed at Invitae indicates that this missense variant is not expected to disrupt SURF1 protein function. In summary, the available evidence is currently insufficient to determine the role of this variant in disease. Therefore, it has been classified as a Variant of Uncertain Significance.

Illumina Laboratory Services, Illumina
Classification: Uncertain significance for Leigh syndrome. Last evaluated: 2017-04-28. Review status: criteria provided, single submitter. Criteria: ICSL Variant Classification Criteria 13 December 2019. Collection method: clinical testing. Allele origin: germline.
Comment: This variant was observed as part of a predisposition screen in an ostensibly healthy population. A literature search was performed for the gene, cDNA change, and amino acid change (where applicable). Publications were found based on this search. However, the evidence from the literature, in combination with allele frequency data from public databases where available, was not sufficient to rule this variant in or out of causing disease. Therefore, this variant is classified as a variant of unknown significance.

Literature cited by the submitters: PubMed 11423010 (cited by Illumina Laboratory Services, Illumina); PubMed 10746561 (cited by Illumina Laboratory Services, Illumina); PubMed 20624914 (cited by Illumina Laboratory Services, Illumina).